The following is an entry in ClinVar:

NM_201384.3(PLEC):c.6005G>T (p.Arg2002Leu)

Gene: PLEC (plectin; minus strand). Cytogenetic location: 8q24.3.
Variant type: single nucleotide variant.
Coding change: c.6005G>T on transcript NM_201384.3 (MANE Select); coding-DNA position 6005, G replaced by T.
Protein change: p.Arg2002Leu; replaces arginine 2002 with leucine.
Molecular consequence: missense variant. On other transcripts: intron variant (1).
Genome position (GRCh38, 1-based): chr8:143,923,924, C>A on the plus strand (G>T on the coding strand, the complement: PLEC is on the minus strand). VCF-style: chr8-143923924-C-A. GRCh37 (hg19) VCF-style: chr8-144998092-C-A.
Other names: c.6086G>T, p.Arg2029Leu (NM_000445.5); c.5963G>T, p.Arg1988Leu (NM_201378.4); c.5939G>T, p.Arg1980Leu (NM_201379.3); c.6416G>T, p.Arg2139Leu (NM_201380.4); c.5909G>T, p.Arg1970Leu (NM_201381.3); c.6005G>T, p.Arg2002Leu (NM_201382.4); c.6017G>T, p.Arg2006Leu (NM_201383.3); c.4126-1529G>T (NM_001410941.1); short protein forms R1970L, R1980L, R1988L, R2002L, R2006L, R2029L, R2139L.
Identifiers: ClinVar variation 3762073 (VCV003762073.2).

ClinVar aggregate classification (germline): Uncertain significance (1 of 4 stars; one submission).

Conditions:
Epidermolysis bullosa simplex with nail dystrophy (EBS5D). Identifiers: MedGen C4225309, MONDO:0014661, OMIM 616487.
Epidermolysis bullosa simplex, Ogna type (EBS5A). Also called: EPIDERMOLYSIS BULLOSA SIMPLEX 5A, OGNA TYPE; Pidermolysis bullosa simplex 5A, Ogna type. Identifiers: Orphanet 79401, MedGen C0432317, MONDO:0007555, OMIM 131950.
Autosomal recessive limb-girdle muscular dystrophy type 2Q (LGMDR17). Also called: MUSCULAR DYSTROPHY, LIMB-GIRDLE, AUTOSOMAL RECESSIVE 17. Identifiers: Orphanet 254361, MedGen C3150989, MONDO:0013390, OMIM 613723.
Epidermolysis bullosa simplex 5B, with muscular dystrophy (EBS5B). Also called: EPIDERMOLYSIS BULLOSA SIMPLEX AND LIMB-GIRDLE MUSCULAR DYSTROPHY; Epidermolysis bullosa simplex with muscular dystrophy. Identifiers: Orphanet 257, MedGen C2931072, MONDO:0009181, OMIM 226670.
Epidermolysis bullosa simplex 5C, with pyloric atresia (EBS5C). Also called: PLEC1-Related Epidermolysis Bullosa with Pyloric Atresia; PLEC-Related Epidermolysis Bullosa with Pyloric Atresia; Epidermolysis bullosa simplex with pyloric atresia. Identifiers: Orphanet 158684, MedGen C2677349, MONDO:0012807, OMIM 612138.

gnomAD v4.1: 4 of 1,595,112 alleles (0.00025%); highest among the groups gnomAD compares: Non-Finnish European, 0.00034%; no homozygotes.

Submission:

Labcorp Genetics (formerly Invitae), Labcorp
Classification: Uncertain significance for Autosomal recessive limb-girdle muscular dystrophy type 2Q; Epidermolysis bullosa simplex, Ogna type; Epidermolysis bullosa simplex with nail dystrophy; Epidermolysis bullosa simplex 5C, with pyloric atresia; Epidermolysis bullosa simplex 5B, with muscular dystrophy. Last evaluated: 2024-11-02. Review status: criteria provided, single submitter. Criteria: Invitae Variant Classification Sherloc (09022015). Collection method: clinical testing. Allele origin: germline.
Comment: This sequence change replaces arginine, which is basic and polar, with leucine, which is neutral and non-polar, at codon 2029 of the PLEC protein (p.Arg2029Leu). This variant is not present in population databases (gnomAD no frequency). This variant has not been reported in the literature in individuals affected with PLEC-related conditions. Experimental studies and prediction algorithms are not available or were not evaluated, and the functional significance of this variant is currently unknown. In summary, the available evidence is currently insufficient to determine the role of this variant in disease. Therefore, it has been classified as a Variant of Uncertain Significance.